The following is an entry in ClinVar:

NM_203447.4(DOCK8):c.2200A>T (p.Thr734Ser)

Gene: DOCK8 (dedicator of cytokinesis 8; plus strand). Cytogenetic location: 9p24.3.
Variant type: single nucleotide variant.
Coding change: c.2200A>T on transcript NM_203447.4 (MANE Select); coding-DNA position 2200, A replaced by T.
Protein change: p.Thr734Ser; replaces threonine 734 with serine.
Molecular consequence: missense variant.
Genome position (GRCh38, 1-based): chr9:376,300, A>T. VCF-style: chr9-376300-A-T. GRCh37 (hg19) VCF-style: chr9-376300-A-T.
Other names: c.1996A>T, p.Thr666Ser (NM_001190458.2, NM_001193536.2); short protein forms T734S, T666S.
Identifiers: ClinVar variation 2006048 (VCV002006048.4), dbSNP rs2538332552, ClinGen allele CA372762980.

ClinVar aggregate classification (germline): Uncertain significance (1 of 4 stars; one submission).

Conditions:
Combined immunodeficiency due to DOCK8 deficiency (HIES2). Also called: HYPER-IgE SYNDROME 2, AUTOSOMAL RECESSIVE, WITH RECURRENT INFECTIONS; HYPER-IgE RECURRENT INFECTION SYNDROME 2, AUTOSOMAL RECESSIVE; DOCK8 Deficiency; HIES autosomal recessive; Hyper-IgE recurrent infection syndrome, autosomal recessive. Identifiers: Orphanet 217390, MedGen C4722305, MONDO:0009478, OMIM 243700.

Submission:

Labcorp Genetics (formerly Invitae), Labcorp
Classification: Uncertain significance for Combined immunodeficiency due to DOCK8 deficiency. Last evaluated: 2022-06-14. Review status: criteria provided, single submitter. Criteria: Invitae Variant Classification Sherloc (09022015). Collection method: clinical testing. Allele origin: germline.
Comment: This sequence change replaces threonine, which is neutral and polar, with serine, which is neutral and polar, at codon 734 of the DOCK8 protein (p.Thr734Ser). This variant is not present in population databases (gnomAD no frequency). This variant has not been reported in the literature in individuals affected with DOCK8-related conditions. Algorithms developed to predict the effect of missense changes on protein structure and function (SIFT, PolyPhen-2, Align-GVGD) all suggest that this variant is likely to be tolerated. In summary, the available evidence is currently insufficient to determine the role of this variant in disease. Therefore, it has been classified as a Variant of Uncertain Significance.